The following is an entry in ClinVar:

NM_000157.4(GBA1):c.1506-9G>A

Genes: GBA1 (glucosylceramidase beta 1; minus strand), LOC106627981 (GBA recombination region; plus strand). Cytogenetic location: 1q22.
Variant type: single nucleotide variant.
Coding change: c.1506-9G>A on transcript NM_000157.4 (MANE Select); 9 bases into the intron before coding-DNA position 1506, G replaced by A.
Molecular consequence: intron variant.
Genome position (GRCh38, 1-based): chr1:155,235,109, C>T on the plus strand (G>A on the coding strand, the complement: GBA1 is on the minus strand). VCF-style: chr1-155235109-C-T. GRCh37 (hg19) VCF-style: chr1-155204900-C-T.
Other names: p.?; c.1245-9G>A (NM_001171811.2); c.1506-9G>A (NM_001005742.3, NM_001005741.3); c.1359-9G>A (NM_001171812.2).
Identifiers: ClinVar variation 4683488 (VCV004683488.1).

ClinVar aggregate classification (germline): Likely benign (1 of 4 stars; one submission).

Submission:

Mayo Clinic Laboratories, Mayo Clinic
Classification: Likely benign. Last evaluated: 2025-06-10. Review status: criteria provided, single submitter. Criteria: ACMG Guidelines, 2015. Collection method: clinical testing. Allele origin: germline. Observed: 3 variant alleles.
Comment: BP4, BP7